The following is an entry in ClinVar:

ClinVar aggregate classification (germline): Uncertain significance (1 of 4 stars; one submission).

Conditions:
Tuberous sclerosis 2 (TSC2). Identifiers: Orphanet 805, MedGen C1860707, MONDO:0013199, OMIM 613254.

Submission:

Labcorp Genetics (formerly Invitae), Labcorp
Classification: Uncertain significance for Tuberous sclerosis 2. Last evaluated: 2025-11-05. Review status: criteria provided, single submitter. Criteria: Invitae Variant Classification Sherloc (09022015). Collection method: clinical testing. Allele origin: germline.
Comment: This sequence change replaces tyrosine, which is neutral and polar, with histidine, which is basic and polar, at codon 1736 of the TSC2 protein (p.Tyr1736His). This variant is not present in population databases (gnomAD no frequency). This variant has not been reported in the literature in individuals affected with TSC2-related conditions. Invitae Evidence Modeling of protein sequence and biophysical properties (such as structural, functional, and spatial information, amino acid conservation, physicochemical variation, residue mobility, and thermodynamic stability) indicates that this missense variant is not expected to disrupt TSC2 protein function with a negative predictive value of 95%. In summary, the available evidence is currently insufficient to determine the role of this variant in disease. Therefore, it has been classified as a Variant of Uncertain Significance.

NM_000548.5(TSC2):c.5206T>C (p.Tyr1736His)

Gene: TSC2 (TSC complex subunit 2; plus strand). Cytogenetic location: 16p13.3.
Variant type: single nucleotide variant.
Coding change: c.5206T>C on transcript NM_000548.5 (MANE Select); coding-DNA position 5206, T replaced by C.
Protein change: p.Tyr1736His; replaces tyrosine 1736 with histidine.
Molecular consequence: missense variant. On other transcripts: non-coding transcript variant (5).
Genome position (GRCh38, 1-based): chr16:2,088,272, T>C. VCF-style: chr16-2088272-T-C. GRCh37 (hg19) VCF-style: chr16-2138273-T-C.
Other names: c.5005T>C, p.Tyr1669His (NM_001077183.3); c.5137T>C, p.Tyr1713His (NM_001114382.3); c.4897T>C, p.Tyr1633His (NM_001318827.2); c.4861T>C, p.Tyr1621His (NM_001318829.2); c.4474T>C, p.Tyr1492His (NM_001318831.2); c.5038T>C, p.Tyr1680His (NM_001318832.2); c.5008T>C, p.Tyr1670His (NM_001363528.2); c.5074T>C, p.Tyr1692His (NM_001370404.1); and 27 more; short protein forms Y1135H, Y1221H, Y1222H, Y1244H, Y1245H, Y1265H, Y1469H, Y1470H.
Identifiers: ClinVar variation 4802892 (VCV004802892.1).